The following is an entry in ClinVar:

ClinVar aggregate classification (germline): Uncertain significance. Review status: criteria provided, multiple submitters, no conflicts (2 of 4 stars). 2 submissions from 2 submitters: Uncertain significance (2). Last evaluated 2025-05-30.

Conditions:
Cystic fibrosis (CF). Also called: MUCOVISCIDOSIS. Identifiers: Orphanet 586, MedGen C0010674, MONDO:0009061, OMIM 219700. Disease mechanism: loss of function.

Submissions (2):

Labcorp Genetics (formerly Invitae), Labcorp
Classification: Uncertain significance for Cystic fibrosis. Last evaluated: 2025-05-30. Review status: criteria provided, single submitter. Criteria: Invitae Variant Classification Sherloc (09022015). Collection method: clinical testing. Allele origin: germline.
Comment: This sequence change replaces proline, which is neutral and non-polar, with serine, which is neutral and polar, at codon 731 of the CFTR protein (p.Pro731Ser). This variant is not present in population databases (gnomAD no frequency). This variant has not been reported in the literature in individuals affected with CFTR-related conditions. ClinVar contains an entry for this variant (Variation ID: 597622). Invitae Evidence Modeling of protein sequence and biophysical properties (such as structural, functional, and spatial information, amino acid conservation, physicochemical variation, residue mobility, and thermodynamic stability) indicates that this missense variant is not expected to disrupt CFTR protein function with a negative predictive value of 80%. In summary, the available evidence is currently insufficient to determine the role of this variant in disease. Therefore, it has been classified as a Variant of Uncertain Significance.

Eurofins Ntd Llc (ga)
Classification: Uncertain significance. Last evaluated: 2018-06-20. Review status: criteria provided, single submitter. Criteria: EGL ClinVar v180209 classification definitions. Collection method: clinical testing. Allele origin: germline. Observed: 1 variant allele, 1 heterozygote.

NM_000492.4(CFTR):c.2191C>T (p.Pro731Ser)

Gene: CFTR (CF transmembrane conductance regulator; plus strand). Cytogenetic location: 7q31.2.
Variant type: single nucleotide variant.
Coding change: c.2191C>T on transcript NM_000492.4 (MANE Select); coding-DNA position 2191, C replaced by T.
Protein change: p.Pro731Ser; replaces proline 731 with serine.
Molecular consequence: missense variant.
Genome position (GRCh38, 1-based): chr7:117,592,358, C>T. VCF-style: chr7-117592358-C-T. GRCh37 (hg19) VCF-style: chr7-117232412-C-T.
Other names: short protein forms P731S.
Identifiers: ClinVar variation 597622 (VCV000597622.6), dbSNP rs1562908065, ClinGen allele CA368980341.